The following is an entry in ClinVar:

NM_017763.6(RNF43):c.1770G>C (p.Glu590Asp)

Gene: RNF43 (ring finger protein 43; minus strand). Cytogenetic location: 17q22.
Variant type: single nucleotide variant.
Coding change: c.1770G>C on transcript NM_017763.6 (MANE Select); coding-DNA position 1770, G replaced by C.
Protein change: p.Glu590Asp; replaces glutamic acid 590 with aspartic acid.
Molecular consequence: missense variant.
Genome position (GRCh38, 1-based): chr17:58,358,006, C>G on the plus strand (G>C on the coding strand, the complement: RNF43 is on the minus strand). VCF-style: chr17-58358006-C-G. GRCh37 (hg19) VCF-style: chr17-56435367-C-G.
Other names: c.1770G>C, p.Glu590Asp (NM_001305544.3); c.1389G>C, p.Glu463Asp (NM_001305545.2); short protein forms E590D, E463D.
Identifiers: ClinVar variation 1427671 (VCV001427671.9), dbSNP rs2143400525, ClinGen allele CA400387527.

ClinVar aggregate classification (germline): Uncertain significance. Review status: criteria provided, multiple submitters, no conflicts (2 of 4 stars). 2 submissions from 2 submitters: Uncertain significance (2). Last evaluated 2025-01-10.

Allele frequency attached by ClinVar (database versions not stated): gnomAD exomes 0.00001.
gnomAD v4.1: 3 of 1,600,560 alleles (0.00019%); highest among the groups gnomAD compares: Non-Finnish European, 0.00026%; no homozygotes.

Submissions (2):

Ambry Genetics
Classification: Uncertain significance. Last evaluated: 2025-01-10. Review status: criteria provided, single submitter. Criteria: Ambry Variant Classification Scheme 2023. Collection method: clinical testing. Allele origin: germline.
Comment: The p.E590D variant (also known as c.1770G>C), located in coding exon 8 of the RNF43 gene, results from a G to C substitution at nucleotide position 1770. The glutamic acid at codon 590 is replaced by aspartic acid, an amino acid with highly similar properties. This amino acid position is conserved. In addition, this alteration is predicted to be tolerated by in silico analysis. Based on the available evidence, the clinical significance of this variant remains unclear.

Labcorp Genetics (formerly Invitae), Labcorp
Classification: Uncertain significance. Last evaluated: 2023-06-29. Review status: criteria provided, single submitter. Criteria: Invitae Variant Classification Sherloc (09022015). Collection method: clinical testing. Allele origin: germline.
Comment: This variant has not been reported in the literature in individuals affected with RNF43-related conditions. ClinVar contains an entry for this variant (Variation ID: 1427671). Algorithms developed to predict the effect of missense changes on protein structure and function output the following: SIFT: "Not Available"; PolyPhen-2: "Benign"; Align-GVGD: "Not Available". The aspartic acid amino acid residue is found in multiple mammalian species, which suggests that this missense change does not adversely affect protein function. In summary, the available evidence is currently insufficient to determine the role of this variant in disease. Therefore, it has been classified as a Variant of Uncertain Significance. This variant is not present in population databases (gnomAD no frequency). This sequence change replaces glutamic acid, which is acidic and polar, with aspartic acid, which is acidic and polar, at codon 590 of the RNF43 protein (p.Glu590Asp).